The following is an entry in ClinVar:

ClinVar aggregate classification (germline): Likely pathogenic. Review status: criteria provided, multiple submitters, no conflicts (2 of 4 stars). 2 submissions from 2 submitters: Likely pathogenic (2). Last evaluated 2022-05-09.

Conditions:
DCX-related disorder. Also called: DCX-Related Disorders; DCX-related condition. Identifiers: MedGen CN381525.

Submissions (2):

Blueprint Genetics
Classification: Likely pathogenic for DCX-related disorders. Last evaluated: 2022-05-09. Review status: criteria provided, single submitter. Criteria: ACMG Guidelines, 2015. Collection method: clinical testing. Allele origin: germline. Affected: yes. Observed: 1 variant allele.

Labcorp Genetics (formerly Invitae), Labcorp
Classification: Likely pathogenic. Last evaluated: 2021-06-24. Review status: criteria provided, single submitter. Criteria: Invitae Variant Classification Sherloc (09022015). Collection method: clinical testing. Allele origin: germline.
Comment: In summary, the currently available evidence indicates that the variant is pathogenic, but additional data are needed to prove that conclusively. Therefore, this variant has been classified as Likely Pathogenic. Algorithms developed to predict the effect of sequence changes on RNA splicing suggest that this variant may disrupt the consensus splice site, but this prediction has not been confirmed by published transcriptional studies. This variant has been observed in individual(s) with clinical features of lissencephaly and subcortical band heterotopia (Invitae). This variant is not present in population databases (ExAC no frequency). This sequence change affects a donor splice site in intron 2 of the DCX gene. It is expected to disrupt RNA splicing. Variants that disrupt the donor or acceptor splice site typically lead to a loss of protein function (PMID: 16199547), and loss-of-function variants in DCX are known to be pathogenic (PMID: 11175293, 23365099).

Literature cited by the submitters: PubMed 16199547 (cited by Labcorp Genetics (formerly Invitae), Labcorp); PubMed 11175293 (cited by Labcorp Genetics (formerly Invitae), Labcorp); PubMed 23365099 (cited by Labcorp Genetics (formerly Invitae), Labcorp).

NM_001195553.2(DCX):c.364+1G>A

Gene: DCX (doublecortin; minus strand). Cytogenetic location: Xq23.
Variant type: single nucleotide variant.
Coding change: c.364+1G>A on transcript NM_001195553.2 (MANE Select); the canonical splice donor site of the intron after coding-DNA position 364, G replaced by A.
Molecular consequence: splice donor variant.
Genome position (GRCh38, 1-based): chrX:111,410,034, C>T on the plus strand (G>A on the coding strand, the complement: DCX is on the minus strand). VCF-style: chrX-111410034-C-T. GRCh37 (hg19) VCF-style: chrX-110653262-C-T.
Other names: c.364+1G>A (NM_001369373.1, NM_178153.3, NM_001369372.1 and 6 more transcripts); c.607+1G>A (NM_000555.3).
Identifiers: ClinVar variation 1471884 (VCV001471884.9), dbSNP rs2147276043, ClinGen allele CA414246548.